The following is an entry in ClinVar:

NM_001130823.3(DNMT1):c.386C>T (p.Pro129Leu)

Gene: DNMT1 (DNA methyltransferase 1; minus strand). Cytogenetic location: 19p13.2.
Variant type: single nucleotide variant.
Coding change: c.386C>T on transcript NM_001130823.3 (MANE Select); coding-DNA position 386, C replaced by T.
Protein change: p.Pro129Leu; replaces proline 129 with leucine.
Molecular consequence: missense variant.
Genome position (GRCh38, 1-based): chr19:10,180,409, G>A on the plus strand (C>T on the coding strand, the complement: DNMT1 is on the minus strand). VCF-style: chr19-10180409-G-A. GRCh37 (hg19) VCF-style: chr19-10291085-G-A.
Other names: c.386C>T, p.Pro129Leu (NM_001318730.2, NM_001379.4); c.23C>T, p.Pro8Leu (NM_001318731.2); short protein forms P129L, P8L.
Identifiers: ClinVar variation 2725498 (VCV002725498.3), dbSNP rs370207020, ClinGen allele CA403946211.

ClinVar aggregate classification (germline): Uncertain significance (1 of 4 stars; one submission).

Conditions:
Hereditary sensory neuropathy-deafness-dementia syndrome. Also called: HSN IE; NEUROPATHY, HEREDITARY SENSORY, WITH HEARING LOSS AND DEMENTIA; Hereditary Sensory and Autonomic Neuropathy Type 1E (HSAN1E); Hereditary sensory neuropathy type IE. Identifiers: Orphanet 456318, MedGen C3279885, MONDO:0013584, OMIM 614116.

Submission:

Labcorp Genetics (formerly Invitae), Labcorp
Classification: Uncertain significance for Hereditary sensory neuropathy-deafness-dementia syndrome. Last evaluated: 2024-11-27. Review status: criteria provided, single submitter. Criteria: Invitae Variant Classification Sherloc (09022015). Collection method: clinical testing. Allele origin: germline.
Comment: This sequence change replaces proline, which is neutral and non-polar, with leucine, which is neutral and non-polar, at codon 129 of the DNMT1 protein (p.Pro129Leu). This variant is not present in population databases (gnomAD no frequency). This variant has not been reported in the literature in individuals affected with DNMT1-related conditions. ClinVar contains an entry for this variant (Variation ID: 2725498). An algorithm developed to predict the effect of missense changes on protein structure and function (PolyPhen-2) suggests that this variant is likely to be tolerated. In summary, the available evidence is currently insufficient to determine the role of this variant in disease. Therefore, it has been classified as a Variant of Uncertain Significance.